The following is an entry in ClinVar:

ClinVar aggregate classification (germline): Pathogenic (1 of 4 stars; one submission).

Submission:

Labcorp Genetics (formerly Invitae), Labcorp
Classification: Pathogenic. Last evaluated: 2024-09-05. Review status: criteria provided, single submitter. Criteria: Invitae Variant Classification Sherloc (09022015). Collection method: clinical testing. Allele origin: germline.
Comment: This sequence change replaces histidine, which is basic and polar, with proline, which is neutral and non-polar, at codon 596 of the ZBTB20 protein (p.His596Pro). This variant is not present in population databases (gnomAD no frequency). This missense change has been observed in individual(s) with clinical features of Primrose syndrome (internal data). In at least one individual the variant was observed to be de novo. Invitae Evidence Modeling of protein sequence and biophysical properties (such as structural, functional, and spatial information, amino acid conservation, physicochemical variation, residue mobility, and thermodynamic stability) indicates that this missense variant is expected to disrupt ZBTB20 protein function with a positive predictive value of 95%. This variant disrupts the p.His596 amino acid residue in ZBTB20. Other variant(s) that disrupt this residue have been determined to be pathogenic (PMID: 28327206). This suggests that this residue is clinically significant, and that variants that disrupt this residue are likely to be disease-causing. For these reasons, this variant has been classified as Pathogenic.

Literature cited by the submitters: PubMed 28327206.

NM_001348800.3(ZBTB20):c.1787A>C (p.His596Pro)

Gene: ZBTB20 (zinc finger and BTB domain containing 20; minus strand). Cytogenetic location: 3q13.31.
Variant type: single nucleotide variant.
Coding change: c.1787A>C on transcript NM_001348800.3 (MANE Select); coding-DNA position 1787, A replaced by C.
Protein change: p.His596Pro; replaces histidine 596 with proline.
Molecular consequence: missense variant.
Genome position (GRCh38, 1-based): chr3:114,350,291, T>G on the plus strand (A>C on the coding strand, the complement: ZBTB20 is on the minus strand). VCF-style: chr3-114350291-T-G. GRCh37 (hg19) VCF-style: chr3-114069138-T-G.
Other names: c.1787A>C, p.His596Pro (NM_001164342.2, NM_001348803.3, NM_001393393.1 and 1 more transcripts); c.1568A>C, p.His523Pro (NM_001164343.2, NM_001164344.4, NM_001164345.4 and 9 more transcripts); short protein forms H523P, H596P.
Identifiers: ClinVar variation 3633366 (VCV003633366.2).